The following is an entry in ClinVar:

NM_005857.3(ZMPSTE24):c.-370G>T

Genes: ZMPSTE24 (zinc metallopeptidase STE24; plus strand), LOC129930252 (ATAC-STARR-seq lymphoblastoid active region 835; plus strand). Cytogenetic location: 1p34.2.
Variant type: single nucleotide variant.
Coding change: c.-370G>T on transcript NM_005857.3; 370 bases upstream of the start codon, G replaced by T.
Genome position (GRCh38, 1-based): chr1:40,257,902, G>T. VCF-style: chr1-40257902-G-T. GRCh37 (hg19) VCF-style: chr1-40723574-G-T.
Identifiers: ClinVar variation 140506 (VCV000140506.3), dbSNP rs312262683, ClinGen allele CA232713.

ClinVar aggregate classification (germline): not provided (0 of 4 stars; one submission).

Allele frequency attached by ClinVar (database versions not stated): TOPMed 0.00043; gnomAD 0.00051; 1000 Genomes Project 30x 0.00062; gnomAD exomes 0.00036; 1000 Genomes Project 0.00060.

Submission:

ZMPSTE24 homepage - Leiden Muscular Dystrophy pages
No classification provided. Review status: no classification provided. Collection method: not provided. Allele origin: germline.
Comment: probably no functional consequence